The following is an entry in ClinVar:

NM_018834.6(MATR3):c.2134A>G (p.Lys712Glu)

Genes: MATR3 (matrin 3; plus strand), LOC126807526 (CDK7 strongly-dependent group 2 enhancer GRCh37_chr5:138657767-138658966; plus strand). Cytogenetic location: 5q31.2.
Variant type: single nucleotide variant.
Coding change: c.2134A>G on transcript NM_018834.6 (MANE Select); coding-DNA position 2134, A replaced by G.
Protein change: p.Lys712Glu; replaces lysine 712 with glutamic acid.
Molecular consequence: missense variant.
Genome position (GRCh38, 1-based): chr5:139,322,953, A>G. VCF-style: chr5-139322953-A-G. GRCh37 (hg19) VCF-style: chr5-138658642-A-G.
Other names: c.2134A>G, p.Lys712Glu (NM_001194954.2, NM_001194955.2, NM_001400441.1 and 16 more transcripts); c.1270A>G, p.Lys424Glu (NM_001194956.2); c.1120A>G, p.Lys374Glu (NM_001282278.2, NM_001400460.1, NM_001400462.1 and 5 more transcripts); c.1273A>G, p.Lys425Glu (NM_001400459.1); c.1234A>G, p.Lys412Glu (NM_001400461.1); short protein forms K374E, K712E, K424E, K425E, K412E.
Identifiers: ClinVar variation 4750589 (VCV004750589.1).
Genomic context (GRCh38, chr5:139,322,953, plus strand): 5'-AAAAAGGAACCATCAGATAAAGCTGTGAAAAAAGATGGAAGTGCTTCAGCAGCAGCAAAG[A>G]AAAAGCTTAAAAAGGTAAAGAAAGATACATTGATTTGTTTTAATAGAACATTAGATCAGA-3'
Protein context (NP_061322.2, residues 702-722): KDGSASAAAK[Lys712Glu]KLKKVDKIEE

ClinVar aggregate classification (germline): Uncertain significance (1 of 4 stars; one submission).

Conditions:
Amyotrophic lateral sclerosis type 21. Also called: VOCAL CORD AND PHARYNGEAL DYSFUNCTION WITH DISTAL MYOPATHY; MYOPATHY, DISTAL, 2. Identifiers: Orphanet 600, Orphanet 803, MedGen C3807521, MONDO:0011632, OMIM 606070.

gnomAD v4.1: 9 of 1,614,160 alleles (0.00056%); highest among the groups gnomAD compares: Non-Finnish European, 0.00076%; no homozygotes.

Submission:

Labcorp Genetics (formerly Invitae), Labcorp
Classification: Uncertain significance for Amyotrophic lateral sclerosis type 21. Last evaluated: 2025-07-15. Review status: criteria provided, single submitter. Criteria: Invitae Variant Classification Sherloc (09022015). Collection method: clinical testing. Allele origin: germline.
Comment: This sequence change replaces lysine, which is basic and polar, with glutamic acid, which is acidic and polar, at codon 712 of the MATR3 protein (p.Lys712Glu). This variant is not present in population databases (gnomAD no frequency). This variant has not been reported in the literature in individuals affected with MATR3-related conditions. Invitae Evidence Modeling of protein sequence and biophysical properties (such as structural, functional, and spatial information, amino acid conservation, physicochemical variation, residue mobility, and thermodynamic stability) indicates that this missense variant is not expected to disrupt MATR3 protein function with a negative predictive value of 80%. In summary, the available evidence is currently insufficient to determine the role of this variant in disease. Therefore, it has been classified as a Variant of Uncertain Significance.